The following is an entry in ClinVar:

NM_004415.4(DSP):c.165C>T (p.Gly55=)

Genes: DSP (desmoplakin; plus strand), DSP-AS1 (DSP antisense RNA 1; minus strand). Cytogenetic location: 6p24.3.
Variant type: single nucleotide variant.
Coding change: c.165C>T on transcript NM_004415.4 (MANE Select); coding-DNA position 165, C replaced by T.
Protein change: p.Gly55=; no amino-acid change (glycine 55 retained).
Molecular consequence: synonymous variant.
Genome position (GRCh38, 1-based): chr6:7,542,080, C>T. VCF-style: chr6-7542080-C-T. GRCh37 (hg19) VCF-style: chr6-7542313-C-T.
Other names: c.165C>T, p.Gly55= (NM_001008844.3, NM_001319034.2).
Identifiers: ClinVar variation 925108 (VCV000925108.12), dbSNP rs1041730733, ClinGen allele CA133980245.
Genomic context (GRCh38, chr6:7,542,080, plus strand): 5'-GGGCACCAGCAGGATGTACTATTCTCGGCGCGGCGTGATCACCGACCAGAACTCGGACGG[C>T]TACTGGTGGGTACCTGCCCGGAGAGCGCGGGCTGCGGGGCTCGCGGGACAGGGAGGGACC-3'
Protein context (NP_004406.2, residues 45-65): RGVITDQNSD[Gly55=]YCQTGTMSRH

ClinVar aggregate classification (germline): Likely benign. Review status: criteria provided, multiple submitters, no conflicts (2 of 4 stars). 3 submissions from 3 submitters: Likely benign (3). Last evaluated 2023-08-15.

Conditions:
Cardiomyopathy (CMYO). Also called: Cardiomyopathies. Identifiers: Orphanet 167848, MedGen C0878544, MONDO:0004994, HP:0001638. Inheritance: Various modes of inheritance.
Arrhythmogenic right ventricular dysplasia 8 (ARVD8). Also called: Arrhythmogenic Right Ventricular Dysplasia/Cardiomyopathy 8; ARRHYTHMOGENIC RIGHT VENTRICULAR DYSPLASIA, FAMILIAL, 8; ARRHYTHMOGENIC RIGHT VENTRICULAR CARDIOMYOPATHY 8. Identifiers: MedGen C1843896, MONDO:0011831, OMIM 607450.
Arrhythmogenic cardiomyopathy with wooly hair and keratoderma. Also called: PALMOPLANTAR KERATODERMA WITH LEFT VENTRICULAR CARDIOMYOPATHY AND WOOLLY HAIR; Carvajal syndrome; Dilated cardiomyopathy with woolly hair and keratoderma; Arrhythmogenic cardiomyopathy with woolly hair and keratoderma. Identifiers: Orphanet 65282, MedGen C1854063, MONDO:0011581, OMIM 605676.

Allele frequency attached by ClinVar (database versions not stated): gnomAD exomes below 0.00001 and 0.00001; gnomAD 0.00001; TOPMed 0.00002.
gnomAD v4.1: 5 of 1,561,116 alleles (0.00032%); highest among the groups gnomAD compares: African/African-American, 0.0014%; no homozygotes.

Submissions (3):

All of Us Research Program, National Institutes of Health
Classification: Likely benign for Arrhythmogenic cardiomyopathy with wooly hair and keratoderma. Last evaluated: 2023-08-15. Review status: criteria provided, single submitter. Criteria: ACMG Guidelines, 2015. Collection method: clinical testing. Allele origin: germline. Inheritance: Autosomal dominant inheritance. Observed: 2 variant alleles, 2 heterozygotes.
Comment: This study involves interpretation of variants in research participants for the purpose of population health screening. Participant phenotype was not available at the time of variant classification. Additional details can be found in publication PMID: 35346344, PMCID: PMC8962531

Labcorp Genetics (formerly Invitae), Labcorp
Classification: Likely benign for Arrhythmogenic cardiomyopathy with wooly hair and keratoderma; Arrhythmogenic right ventricular dysplasia 8. Last evaluated: 2023-04-26. Review status: criteria provided, single submitter. Criteria: Invitae Variant Classification Sherloc (09022015). Collection method: clinical testing. Allele origin: germline.

Color Diagnostics, LLC DBA Color Health
Classification: Likely benign for Cardiomyopathy. Last evaluated: 2019-11-24. Review status: criteria provided, single submitter. Criteria: ACMG Guidelines, 2015. Collection method: clinical testing. Allele origin: germline.